The following is an entry in ClinVar:

ClinVar aggregate classification (germline): Uncertain significance (1 of 4 stars; one submission).

Allele frequency attached by ClinVar (database versions not stated): ExAC 0.00002; gnomAD 0.00002; TOPMed 0.00002.
gnomAD v4.1: 27 of 1,613,338 alleles (0.0017%); highest among the groups gnomAD compares: East Asian, 0.0067%; no homozygotes.

Submission:

Labcorp Genetics (formerly Invitae), Labcorp
Classification: Uncertain significance. Last evaluated: 2025-06-01. Review status: criteria provided, single submitter. Criteria: Invitae Variant Classification Sherloc (09022015). Collection method: clinical testing. Allele origin: germline.
Comment: This sequence change replaces isoleucine, which is neutral and non-polar, with threonine, which is neutral and polar, at codon 200 of the PSMA3 protein (p.Ile200Thr). This variant is present in population databases (rs745454675, gnomAD 0.002%). This variant has not been reported in the literature in individuals affected with PSMA3-related conditions. ClinVar contains an entry for this variant (Variation ID: 1502298). An algorithm developed to predict the effect of missense changes on protein structure and function (PolyPhen-2) suggests that this variant is likely to be tolerated. In summary, the available evidence is currently insufficient to determine the role of this variant in disease. Therefore, it has been classified as a Variant of Uncertain Significance.

NM_002788.4(PSMA3):c.599T>C (p.Ile200Thr)

Genes: PSMA3 (proteasome 20S subunit alpha 3; plus strand), PSMA3-AS1 (PSMA3 antisense RNA 1; minus strand). Cytogenetic location: 14q23.1.
Variant type: single nucleotide variant.
Coding change: c.599T>C on transcript NM_002788.4 (MANE Select); coding-DNA position 599, T replaced by C.
Protein change: p.Ile200Thr; replaces isoleucine 200 with threonine.
Molecular consequence: missense variant. On other transcripts: non-coding transcript variant (1).
Genome position (GRCh38, 1-based): chr14:58,270,426, T>C. VCF-style: chr14-58270426-T-C. GRCh37 (hg19) VCF-style: chr14-58737144-T-C.
Other names: c.578T>C, p.Ile193Thr (NM_152132.3); short protein forms I193T, I200T.
Identifiers: ClinVar variation 1502298 (VCV001502298.8), dbSNP rs745454675, ClinGen allele CA7203872.
Genomic context (GRCh38, chr14:58,270,426, plus strand): 5'-ACTTCAATGTTTGGAGGTTACCAAAATCTTACCTTTCCCTTTTCTATTCTAGAATTTACA[T>C]AGTACATGACGAAGTTAAGGATAAAGCTTTTGAACTAGAACTCAGCTGGGTTGGTGAATG-3'
Protein context (NP_002779.1, residues 190-210): IVKEVAKIIY[Ile200Thr]VHDEVKDKAF